The following is an entry in ClinVar:

NM_006343.3(MERTK):c.1495G>A (p.Ala499Thr)

Gene: MERTK (MER proto-oncogene, tyrosine kinase; plus strand). Cytogenetic location: 2q13.
Variant type: single nucleotide variant.
Coding change: c.1495G>A on transcript NM_006343.3 (MANE Select); coding-DNA position 1495, G replaced by A.
Protein change: p.Ala499Thr; replaces alanine 499 with threonine.
Molecular consequence: missense variant.
Genome position (GRCh38, 1-based): chr2:111,997,367, G>A. VCF-style: chr2-111997367-G-A. GRCh37 (hg19) VCF-style: chr2-112754944-G-A.
Other names: short protein forms A499T.
Identifiers: ClinVar variation 1021648 (VCV001021648.6), dbSNP rs147206385, ClinGen allele CA1831448.
Genomic context (GRCh38, chr2:111,997,367, plus strand): 5'-ATTGGTATCTCACCAGGTTGGGTAGATTATGCCCCCTCTTCAACTCCGGCGCCTGGCAAC[G>A]CAGATCCTGTGCTCATCATCTTTGGCTGCTTTTGTGGATTTATTTTGATTGGGTTGATTT-3'
Protein context (NP_006334.2, residues 489-509): APSSTPAPGN[Ala499Thr]DPVLIIFGCF

ClinVar aggregate classification (germline): Conflicting classifications of pathogenicity. Review status: criteria provided, conflicting classifications (1 of 4 stars). 2 submissions from 2 submitters: Uncertain significance (1); Likely benign (1). Last evaluated 2024-01-18.

Allele frequency attached by ClinVar (database versions not stated): gnomAD 0.00007; ExAC 0.00012; gnomAD exomes 0.00012; TOPMed 0.00015; 1000 Genomes Project 0.00020; 1000 Genomes Project 30x 0.00031.
gnomAD v4.1: 92 of 1,614,156 alleles (0.0057%); highest among the groups gnomAD compares: Admixed American, 0.048%; no homozygotes.

Submissions (2):

Labcorp Genetics (formerly Invitae), Labcorp
Classification: Uncertain significance. Last evaluated: 2024-01-18. Review status: criteria provided, single submitter. Criteria: Invitae Variant Classification Sherloc (09022015). Collection method: clinical testing. Allele origin: germline.
Comment: This sequence change replaces alanine, which is neutral and non-polar, with threonine, which is neutral and polar, at codon 499 of the MERTK protein (p.Ala499Thr). This variant is present in population databases (rs147206385, gnomAD 0.07%). This variant has not been reported in the literature in individuals affected with MERTK-related conditions. ClinVar contains an entry for this variant (Variation ID: 1021648). Algorithms developed to predict the effect of missense changes on protein structure and function output the following: SIFT: "Not Available"; PolyPhen-2: "Benign"; Align-GVGD: "Not Available". The threonine amino acid residue is found in multiple mammalian species, which suggests that this missense change does not adversely affect protein function. In summary, the available evidence is currently insufficient to determine the role of this variant in disease. Therefore, it has been classified as a Variant of Uncertain Significance.

Blueprint Genetics
Classification: Likely benign. Last evaluated: 2020-09-14. Review status: criteria provided, single submitter. Criteria: ACMG Guidelines, 2015. Collection method: clinical testing. Allele origin: germline.